The following is an entry in ClinVar:

NM_001089.3(ABCA3):c.4363C>T (p.Arg1455Trp)

Gene: ABCA3 (ATP binding cassette subfamily A member 3; minus strand). Cytogenetic location: 16p13.3.
Variant type: single nucleotide variant.
Coding change: c.4363C>T on transcript NM_001089.3 (MANE Select); coding-DNA position 4363, C replaced by T.
Protein change: p.Arg1455Trp; replaces arginine 1455 with tryptophan.
Molecular consequence: missense variant.
Genome position (GRCh38, 1-based): chr16:2,279,127, G>A on the plus strand (C>T on the coding strand, the complement: ABCA3 is on the minus strand). VCF-style: chr16-2279127-G-A. GRCh37 (hg19) VCF-style: chr16-2329128-G-A.
Other names: c.4363C>T (NM_001089.2); short protein forms R1455W.
Identifiers: ClinVar variation 1960575 (VCV001960575.3), dbSNP rs751355107, ClinGen allele CA7840144.

ClinVar aggregate classification (germline): Uncertain significance. Review status: criteria provided, multiple submitters, no conflicts (2 of 4 stars). 2 submissions from 2 submitters: Uncertain significance (2). Last evaluated 2023-11-27.

Conditions:
Hereditary pulmonary alveolar proteinosis. Also called: Pulmonary surfactant metabolism dysfunction. Identifiers: Orphanet 264675, MedGen C3711368, MONDO:0012580.

Allele frequency attached by ClinVar (database versions not stated): ExAC 0.00001; gnomAD 0.00001; gnomAD exomes 0.00001; TOPMed 0.00001.
gnomAD v4.1: 21 of 1,611,058 alleles (0.0013%); highest among the groups gnomAD compares: East Asian, 0.016%; 1 homozygote.

Submissions (2):

Ambry Genetics
Classification: Uncertain significance for Hereditary pulmonary alveolar proteinosis. Last evaluated: 2023-11-27. Review status: criteria provided, single submitter. Criteria: Ambry Variant Classification Scheme 2023. Collection method: clinical testing. Allele origin: germline.

Labcorp Genetics (formerly Invitae), Labcorp
Classification: Uncertain significance. Last evaluated: 2022-07-15. Review status: criteria provided, single submitter. Criteria: Invitae Variant Classification Sherloc (09022015). Collection method: clinical testing. Allele origin: germline.
Comment: This sequence change replaces arginine, which is basic and polar, with tryptophan, which is neutral and slightly polar, at codon 1455 of the ABCA3 protein (p.Arg1455Trp). The frequency data for this variant in the population databases is considered unreliable, as metrics indicate poor data quality at this position in the gnomAD database. This variant has not been reported in the literature in individuals affected with ABCA3-related conditions. Algorithms developed to predict the effect of missense changes on protein structure and function are either unavailable or do not agree on the potential impact of this missense change (SIFT: "Deleterious"; PolyPhen-2: "Possibly Damaging"; Align-GVGD: "Class C0"). In summary, the available evidence is currently insufficient to determine the role of this variant in disease. Therefore, it has been classified as a Variant of Uncertain Significance.